The following is an entry in ClinVar:

NM_000051.4(ATM):c.8920C>A (p.Pro2974Thr)

Genes: ATM (ATM serine/threonine kinase; plus strand), C11orf65 (chromosome 11 open reading frame 65; minus strand). Cytogenetic location: 11q22.3.
Variant type: single nucleotide variant.
Coding change: c.8920C>A on transcript NM_000051.4 (MANE Select); coding-DNA position 8920, C replaced by A.
Protein change: p.Pro2974Thr; replaces proline 2974 with threonine.
Molecular consequence: missense variant. On other transcripts: intron variant (2).
Genome position (GRCh38, 1-based): chr11:108,365,151, C>A. VCF-style: chr11-108365151-C-A. GRCh37 (hg19) VCF-style: chr11-108235878-C-A.
Other names: c.8920C>A, p.Pro2974Thr (NM_001351834.2); c.640+20769G>T (NM_001330368.2); c.694+20769G>T (NM_001351110.2); short protein forms P2974T.
Identifiers: ClinVar variation 482559 (VCV000482559.10), dbSNP rs984616023, ClinGen allele CA382529949.

ClinVar aggregate classification (germline): Uncertain significance. Review status: criteria provided, multiple submitters, no conflicts (2 of 4 stars). 3 submissions from 3 submitters: Uncertain significance (2). 1 of the submissions does not count toward it. Last evaluated 2024-09-04.

Conditions:
Hereditary cancer-predisposing syndrome. Also called: Neoplastic Syndromes, Hereditary; Hereditary Cancer Syndrome; Tumor predisposition; Hereditary neoplastic syndrome. Identifiers: Orphanet 140162, MedGen C0027672, MeSH D009386, MONDO:0015356.
Ataxia-telangiectasia syndrome (AT). Also called: LOUIS-BAR SYNDROME; Cerebello-oculocutaneous telangiectasia; Immunodeficiency with ataxia telangiectasia; Ataxia-telangiectasia, complementation group D; AT, COMPLEMENTATION GROUP C; Ataxia-telangiectasia, complementation group E. Identifiers: Orphanet 100, MedGen C0004135, MONDO:0008840, OMIM 208900.

gnomAD v4.1: 1 of 1,614,104 alleles (0.000062%); highest among the groups gnomAD compares: Non-Finnish European, 0.000085%; no homozygotes.

Submissions (3):

Labcorp Genetics (formerly Invitae), Labcorp
Classification: Uncertain significance for Ataxia-telangiectasia syndrome. Last evaluated: 2024-09-04. Review status: criteria provided, single submitter. Criteria: Invitae Variant Classification Sherloc (09022015). Collection method: clinical testing. Allele origin: germline.
Comment: This sequence change replaces proline, which is neutral and non-polar, with threonine, which is neutral and polar, at codon 2974 of the ATM protein (p.Pro2974Thr). This variant is not present in population databases (gnomAD no frequency). This variant has not been reported in the literature in individuals affected with ATM-related conditions. ClinVar contains an entry for this variant (Variation ID: 482559). An algorithm developed to predict the effect of missense changes on protein structure and function (PolyPhen-2) suggests that this variant is likely to be tolerated. In summary, the available evidence is currently insufficient to determine the role of this variant in disease. Therefore, it has been classified as a Variant of Uncertain Significance.

Ambry Genetics
Classification: Uncertain significance for Hereditary cancer-predisposing syndrome. Last evaluated: 2016-01-20. Review status: criteria provided, single submitter. Criteria: Ambry Variant Classification Scheme 2023. Collection method: clinical testing. Allele origin: germline.
Comment: The p.P2974T variant (also known as c.8920C>A), located in coding exon 61 of the ATM gene, results from a C to A substitution at nucleotide position 8920. The proline at codon 2974 is replaced by threonine, an amino acid with highly similar properties. This variant was not reported in population based cohorts in the following databases: Database of Single Nucleotide Polymorphisms (dbSNP), NHLBI Exome Sequencing Project (ESP), and 1000 Genomes Project. In the ESP, this variant was not observed in 6499 samples (12998 alleles) with coverage at this position. To date, this alteration has been detected with an allele frequency of approximately 0.001% (greater than 70000 alleles tested) in our clinical cohort. This amino acid position is not well conserved in available vertebrate species. In addition, this alteration is predicted to be tolerated by in silico analysis. Since supporting evidence is limited at this time, the clinical significance of this alteration remains unclear.

Natera, Inc.
Classification: Uncertain significance for Ataxia-telangiectasia. Last evaluated: 2020-10-16. Review status: no assertion criteria provided. Collection method: clinical testing. Allele origin: germline. Not counted in ClinVar's aggregate classification.